The following is an entry in ClinVar:

NM_017613.4(DONSON):c.139G>C (p.Ala47Pro)

Gene: DONSON (DNA replication fork stabilization factor DONSON; minus strand). Cytogenetic location: 21q22.11.
Variant type: single nucleotide variant.
Coding change: c.139G>C on transcript NM_017613.4 (MANE Select); coding-DNA position 139, G replaced by C.
Protein change: p.Ala47Pro; replaces alanine 47 with proline.
Molecular consequence: missense variant.
Genome position (GRCh38, 1-based): chr21:33,588,503, C>G on the plus strand (G>C on the coding strand, the complement: DONSON is on the minus strand). VCF-style: chr21-33588503-C-G. GRCh37 (hg19) VCF-style: chr21-34960809-C-G.
Other names: short protein forms A47P.
Identifiers: ClinVar variation 2099543 (VCV002099543.1), dbSNP rs764817198, ClinGen allele CA10010674.
Genomic context (GRCh38, chr21:33,588,503, plus strand): 5'-CACCGCCTCTGCCCCCCGCAGCAGGGAAAGGGCGAAGAGGCAGCCCCGCCACCAGGGCGG[C>G]TCGGCGGGCCGCCGGCTCCGTCAGCTCACGGGGCGGGGAGGCGGCAGCTCCACGGCTCCG-3'
Protein context (NP_060083.1, residues 37-57): RELTEPAARR[Ala47Pro]ALVAGLPLRP

ClinVar aggregate classification (germline): Uncertain significance (1 of 4 stars; one submission).

Allele frequency attached by ClinVar (database versions not stated): gnomAD 0.00002; 1000 Genomes Project 30x 0.00016.

Submission:

Labcorp Genetics (formerly Invitae), Labcorp
Classification: Uncertain significance. Last evaluated: 2022-02-19. Review status: criteria provided, single submitter. Criteria: Invitae Variant Classification Sherloc (09022015). Collection method: clinical testing. Allele origin: germline.
Comment: This sequence change replaces alanine, which is neutral and non-polar, with proline, which is neutral and non-polar, at codon 47 of the DONSON protein (p.Ala47Pro). This variant is not present in population databases (gnomAD no frequency). This variant has not been reported in the literature in individuals affected with DONSON-related conditions. Algorithms developed to predict the effect of missense changes on protein structure and function (SIFT, PolyPhen-2, Align-GVGD) all suggest that this variant is likely to be tolerated. In summary, the available evidence is currently insufficient to determine the role of this variant in disease. Therefore, it has been classified as a Variant of Uncertain Significance.